The following is an entry in ClinVar:

ClinVar aggregate classification (germline): Uncertain significance (1 of 4 stars; one submission).

Conditions:
Gnathodiaphyseal dysplasia (GDD). Also called: GNATHODIAPHYSEAL SCLEROSIS; OSTEOGENESIS IMPERFECTA WITH UNUSUAL SKELETAL LESIONS. Identifiers: Orphanet 53697, MedGen C1833736, MONDO:0008151, OMIM 166260.
Autosomal recessive limb-girdle muscular dystrophy type 2L (LGMDR12). Also called: Limb-girdle muscular dystrophy, type 2L; MUSCULAR DYSTROPHY, LIMB-GIRDLE, AUTOSOMAL RECESSIVE 12; Limb-Girdle Muscular Dystrophy R12 Anoctamin-5-Related (LGMD-R12). Identifiers: Orphanet 206549, MedGen C1969785, MONDO:0012652, OMIM 611307.

Submission:

Labcorp Genetics (formerly Invitae), Labcorp
Classification: Uncertain significance for Autosomal recessive limb-girdle muscular dystrophy type 2L; Gnathodiaphyseal dysplasia. Last evaluated: 2024-02-26. Review status: criteria provided, single submitter. Criteria: Invitae Variant Classification Sherloc (09022015). Collection method: clinical testing. Allele origin: germline.
Comment: This sequence change replaces leucine, which is neutral and non-polar, with phenylalanine, which is neutral and non-polar, at codon 108 of the ANO5 protein (p.Leu108Phe). This variant is not present in population databases (gnomAD no frequency). This variant has not been reported in the literature in individuals affected with ANO5-related conditions. Advanced modeling of protein sequence and biophysical properties (such as structural, functional, and spatial information, amino acid conservation, physicochemical variation, residue mobility, and thermodynamic stability) performed at Invitae indicates that this missense variant is expected to disrupt ANO5 protein function with a positive predictive value of 95%. In summary, the available evidence is currently insufficient to determine the role of this variant in disease. Therefore, it has been classified as a Variant of Uncertain Significance.

NM_213599.3(ANO5):c.322C>T (p.Leu108Phe)

Gene: ANO5 (anoctamin 5; plus strand). Cytogenetic location: 11p14.3.
Variant type: single nucleotide variant.
Coding change: c.322C>T on transcript NM_213599.3 (MANE Select); coding-DNA position 322, C replaced by T.
Protein change: p.Leu108Phe; replaces leucine 108 with phenylalanine.
Molecular consequence: missense variant.
Genome position (GRCh38, 1-based): chr11:22,226,011, C>T. VCF-style: chr11-22226011-C-T. GRCh37 (hg19) VCF-style: chr11-22247557-C-T.
Other names: c.319C>T, p.Leu107Phe (NM_001142649.2); c.280C>T, p.Leu94Phe (NM_001410963.1); c.277C>T, p.Leu93Phe (NM_001410964.1); short protein forms L107F, L93F, L108F, L94F.
Identifiers: ClinVar variation 2940834 (VCV002940834.3), dbSNP rs2494141610, ClinGen allele CA379919079.